The following is an entry in ClinVar:

ClinVar aggregate classification (germline): Uncertain significance (1 of 4 stars; one submission).

Conditions:
Microphthalmia, syndromic 11 (MCOPS11). Identifiers: MedGen C3553077, MONDO:0013734, OMIM 614402.

Allele frequency attached by ClinVar (database versions not stated): TOPMed 0.00009; gnomAD 0.00013; gnomAD exomes 0.00017.
gnomAD v4.1: 249 of 1,522,046 alleles (0.016%); highest among the groups gnomAD compares: Non-Finnish European, 0.021%; no homozygotes.

Submission:

Labcorp Genetics (formerly Invitae), Labcorp
Classification: Uncertain significance for Microphthalmia, syndromic 11. Last evaluated: 2023-12-21. Review status: criteria provided, single submitter. Criteria: Invitae Variant Classification Sherloc (09022015). Collection method: clinical testing. Allele origin: germline.
Comment: This sequence change replaces leucine, which is neutral and non-polar, with methionine, which is neutral and non-polar, at codon 181 of the VAX1 protein (p.Leu181Met). This variant is present in population databases (rs377184623, gnomAD 0.02%). This variant has not been reported in the literature in individuals affected with VAX1-related conditions. Advanced modeling of protein sequence and biophysical properties (such as structural, functional, and spatial information, amino acid conservation, physicochemical variation, residue mobility, and thermodynamic stability) performed at Invitae indicates that this missense variant is expected to disrupt VAX1 protein function with a positive predictive value of 80%. In summary, the available evidence is currently insufficient to determine the role of this variant in disease. Therefore, it has been classified as a Variant of Uncertain Significance.

NM_001112704.2(VAX1):c.541C>A (p.Leu181Met)

Gene: VAX1 (ventral anterior homeobox 1; minus strand). Cytogenetic location: 10q25.3.
Variant type: single nucleotide variant.
Coding change: c.541C>A on transcript NM_001112704.2 (MANE Select); coding-DNA position 541, C replaced by A.
Protein change: p.Leu181Met; replaces leucine 181 with methionine.
Molecular consequence: missense variant. On other transcripts: intron variant (1).
Genome position (GRCh38, 1-based): chr10:117,134,472, G>T on the plus strand (C>A on the coding strand, the complement: VAX1 is on the minus strand). VCF-style: chr10-117134472-G-T. GRCh37 (hg19) VCF-style: chr10-118893983-G-T.
Other names: c.430-1995C>A (NM_199131.3); short protein forms L181M.
Identifiers: ClinVar variation 3006218 (VCV003006218.3), dbSNP rs377184623, ClinGen allele CA214972272.